The following is an entry in ClinVar:

ClinVar aggregate classification (germline): Uncertain significance. Review status: criteria provided, multiple submitters, no conflicts (2 of 4 stars). 6 submissions from 6 submitters: Uncertain significance (5). 1 of the submissions does not count toward it. Last evaluated 2024-08-19.

Conditions:
Inborn genetic diseases. Identifiers: MedGen C0950123, MeSH D030342.
Glycogen storage disease type III (GSD3). Also called: Cori disease; FORBES DISEASE. Identifiers: Orphanet 366, MedGen C0017922, MONDO:0009291, OMIM 232400.

Allele frequency attached by ClinVar (database versions not stated): gnomAD 0.00001.
gnomAD v4.1: 42 of 1,613,940 alleles (0.0026%); highest among the groups gnomAD compares: Admixed American, 0.0033%; no homozygotes.

Submissions (6):

Ambry Genetics
Classification: Uncertain significance for Inborn genetic diseases. Last evaluated: 2024-08-19. Review status: criteria provided, single submitter. Criteria: Ambry Variant Classification Scheme 2023. Collection method: clinical testing. Allele origin: germline.

Labcorp Genetics (formerly Invitae), Labcorp
Classification: Uncertain significance for Glycogen storage disease type III. Last evaluated: 2024-02-24. Review status: criteria provided, single submitter. Criteria: Invitae Variant Classification Sherloc (09022015). Collection method: clinical testing. Allele origin: germline.
Comment: This sequence change replaces proline, which is neutral and non-polar, with leucine, which is neutral and non-polar, at codon 414 of the AGL protein (p.Pro414Leu). This variant is present in population databases (rs758882822, gnomAD 0.004%). This variant has not been reported in the literature in individuals affected with AGL-related conditions. ClinVar contains an entry for this variant (Variation ID: 456452). Advanced modeling of protein sequence and biophysical properties (such as structural, functional, and spatial information, amino acid conservation, physicochemical variation, residue mobility, and thermodynamic stability) performed at Invitae indicates that this missense variant is not expected to disrupt AGL protein function with a negative predictive value of 80%. Algorithms developed to predict the effect of sequence changes on RNA splicing suggest that this variant may disrupt the consensus splice site. In summary, the available evidence is currently insufficient to determine the role of this variant in disease. Therefore, it has been classified as a Variant of Uncertain Significance.

Genome-Nilou Lab
Classification: Uncertain significance for Glycogen storage disease type III. Last evaluated: 2021-07-15. Review status: criteria provided, single submitter. Criteria: ACMG Guidelines, 2015. Collection method: clinical testing. Allele origin: germline. Affected: no.

Blueprint Genetics
Classification: Uncertain significance. Last evaluated: 2021-03-04. Review status: criteria provided, single submitter. Criteria: ACMG Guidelines, 2015. Collection method: clinical testing. Allele origin: germline.

Fulgent Genetics
Classification: Uncertain significance for Glycogen storage disease type III. Last evaluated: 2018-10-31. Review status: criteria provided, single submitter. Criteria: ACMG Guidelines, 2015. Collection method: clinical testing. Allele origin: unknown.

Natera, Inc.
Classification: Uncertain significance for Glycogen storage disease type III. Last evaluated: 2020-09-07. Review status: no assertion criteria provided. Collection method: clinical testing. Allele origin: germline. Not counted in ClinVar's aggregate classification.

NM_000642.3(AGL):c.1241C>T (p.Pro414Leu)

Gene: AGL (amylo-alpha-1,6-glucosidase and 4-alpha-glucanotransferase; plus strand). Cytogenetic location: 1p21.2.
Variant type: single nucleotide variant.
Coding change: c.1241C>T on transcript NM_000642.3 (MANE Select); coding-DNA position 1241, C replaced by T.
Protein change: p.Pro414Leu; replaces proline 414 with leucine.
Molecular consequence: missense variant.
Genome position (GRCh38, 1-based): chr1:99,875,413, C>T. VCF-style: chr1-99875413-C-T. GRCh37 (hg19) VCF-style: chr1-100340969-C-T.
Other names: c.1241C>T, p.Pro414Leu (NM_000028.3, NM_000643.3, NM_000644.3 and 2 more transcripts); c.1193C>T, p.Pro398Leu (NM_000646.3); c.1037C>T, p.Pro346Leu (NM_001425328.1, NM_001425329.1); c.863C>T, p.Pro288Leu (NM_001425332.1); short protein forms P414L, P398L, P288L, P346L.
Identifiers: ClinVar variation 456452 (VCV000456452.15), dbSNP rs758882822, ClinGen allele CA966437.